The following is an entry in ClinVar:

ClinVar aggregate classification (germline): Uncertain significance. Review status: criteria provided, multiple submitters, no conflicts (2 of 4 stars). 3 submissions from 3 submitters: Uncertain significance (3). Last evaluated 2025-10-22.

Conditions:
Hereditary cancer-predisposing syndrome. Also called: Neoplastic Syndromes, Hereditary; Tumor predisposition; Hereditary Cancer Syndrome; Hereditary neoplastic syndrome. Identifiers: Orphanet 140162, MedGen C0027672, MeSH D009386, MONDO:0015356.
Hereditary nonpolyposis colorectal neoplasms. Identifiers: MedGen C0009405, MeSH D003123.

Allele frequency attached by ClinVar (database versions not stated): gnomAD exomes below 0.00001.
gnomAD v4.1: 1 of 1,614,138 alleles (0.000062%); highest among the groups gnomAD compares: Non-Finnish European, 0.000085%; no homozygotes.

Submissions (3):

Ambry Genetics
Classification: Uncertain significance for Hereditary cancer-predisposing syndrome. Last evaluated: 2025-10-22. Review status: criteria provided, single submitter. Criteria: Ambry Variant Classification Scheme 2023. Collection method: clinical testing. Allele origin: germline.
Comment: The p.V616A variant (also known as c.1847T>C), located in coding exon 11 of the PMS2 gene, results from a T to C substitution at nucleotide position 1847. The valine at codon 616 is replaced by alanine, an amino acid with similar properties. This amino acid position is well conserved in available vertebrate species. In addition, this alteration is predicted to be tolerated by in silico analysis. Since supporting evidence is limited at this time, the clinical significance of this alteration remains unclear.

Labcorp Genetics (formerly Invitae), Labcorp
Classification: Uncertain significance for Hereditary nonpolyposis colorectal neoplasms. Last evaluated: 2024-09-09. Review status: criteria provided, single submitter. Criteria: Invitae Variant Classification Sherloc (09022015). Collection method: clinical testing. Allele origin: germline.
Comment: This sequence change replaces valine, which is neutral and non-polar, with alanine, which is neutral and non-polar, at codon 616 of the PMS2 protein (p.Val616Ala). This variant is not present in population databases (gnomAD no frequency). This variant has not been reported in the literature in individuals affected with PMS2-related conditions. ClinVar contains an entry for this variant (Variation ID: 649216). Invitae Evidence Modeling of protein sequence and biophysical properties (such as structural, functional, and spatial information, amino acid conservation, physicochemical variation, residue mobility, and thermodynamic stability) indicates that this missense variant is not expected to disrupt PMS2 protein function with a negative predictive value of 80%. In summary, the available evidence is currently insufficient to determine the role of this variant in disease. Therefore, it has been classified as a Variant of Uncertain Significance.

Color Diagnostics, LLC DBA Color Health
Classification: Uncertain significance for Hereditary cancer-predisposing syndrome. Last evaluated: 2024-03-06. Review status: criteria provided, single submitter. Criteria: ACMG Guidelines, 2015. Collection method: clinical testing. Allele origin: germline.
Comment: This missense variant replaces valine with alanine at codon 616 of the PMS2 protein. Computational prediction tool suggests that this variant may not impact protein structure and function (internally defined REVEL score threshold <= 0.5, PMID: 27666373). Splice site prediction tools suggest that this variant may not impact RNA splicing. To our knowledge, functional studies have not been performed for this variant. This variant has not been reported in individuals affected with hereditary cancer in the literature. This variant has not been identified in the general population by the Genome Aggregation Database (gnomAD). The available evidence is insufficient to determine the role of this variant in disease conclusively. Therefore, this variant is classified as a Variant of Uncertain Significance.

NM_000535.7(PMS2):c.1847T>C (p.Val616Ala)

Gene: PMS2 (PMS1 homolog 2, mismatch repair system component; minus strand). Cytogenetic location: 7p22.1.
Variant type: single nucleotide variant.
Coding change: c.1847T>C on transcript NM_000535.7 (MANE Select); coding-DNA position 1847, T replaced by C.
Protein change: p.Val616Ala; replaces valine 616 with alanine.
Molecular consequence: missense variant. On other transcripts: non-coding transcript variant (1).
Genome position (GRCh38, 1-based): chr7:5,986,918, A>G on the plus strand (T>C on the coding strand, the complement: PMS2 is on the minus strand). VCF-style: chr7-5986918-A-G. GRCh37 (hg19) VCF-style: chr7-6026549-A-G.
Other names: c.1442T>C, p.Val481Ala (NM_001322003.2, NM_001322004.2, NM_001322005.2 and 1 more transcripts); c.1691T>C, p.Val564Ala (NM_001322006.2); c.1529T>C, p.Val510Ala (NM_001322007.2, NM_001322008.2); c.1286T>C, p.Val429Ala (NM_001322010.2); c.914T>C, p.Val305Ala (NM_001322011.2, NM_001322012.2); c.1274T>C, p.Val425Ala (NM_001322013.2); c.1847T>C, p.Val616Ala (NM_001322014.2); c.1538T>C, p.Val513Ala (NM_001322015.2); short protein forms V429A, V481A, V513A, V564A, V305A, V510A, V616A, V425A.
Identifiers: ClinVar variation 649216 (VCV000649216.16), dbSNP rs1583314800, ClinGen allele CA366739603.
Genomic context (GRCh38, chr7:5,986,918, plus strand): 5'-GCTTCATGATGTAACTGCTTTATTCGTTTAGCTAAAGAACTCATAGAAAAGTCCAGGGGC[A>G]CAACTTTCTTATTAATTTTCACAGCTACATCAACCTGAGAGGCTGACATGTCCTGAGTAT-3'
Protein context (NP_000526.2, residues 606-626): DVAVKINKKV[Val616Ala]PLDFSMSSLA